The following is an entry in ClinVar:

ClinVar aggregate classification (germline): Uncertain significance (1 of 4 stars; one submission).

Conditions:
Aortic valve disease 2 (AOVD2). Identifiers: MedGen C3542024, MONDO:0013902, OMIM 614823.

Allele frequency attached by ClinVar (database versions not stated): TOPMed below 0.00001.

Submission:

Labcorp Genetics (formerly Invitae), Labcorp
Classification: Uncertain significance for Aortic valve disease 2. Last evaluated: 2023-07-29. Review status: criteria provided, single submitter. Criteria: Invitae Variant Classification Sherloc (09022015). Collection method: clinical testing. Allele origin: germline.
Comment: Advanced modeling of protein sequence and biophysical properties (such as structural, functional, and spatial information, amino acid conservation, physicochemical variation, residue mobility, and thermodynamic stability) performed at Invitae indicates that this missense variant is not expected to disrupt TBX5 protein function. In summary, the available evidence is currently insufficient to determine the role of this variant in disease. Therefore, it has been classified as a Variant of Uncertain Significance. This variant has not been reported in the literature in individuals affected with TBX5-related conditions. This sequence change replaces glycine, which is neutral and non-polar, with arginine, which is basic and polar, at codon 288 of the TBX5 protein (p.Gly288Arg). This variant is not present in population databases (gnomAD no frequency).

NM_181486.4(TBX5):c.862G>A (p.Gly288Arg)

Gene: TBX5 (T-box transcription factor 5; minus strand). Cytogenetic location: 12q24.21.
Variant type: single nucleotide variant.
Coding change: c.862G>A on transcript NM_181486.4 (MANE Select); coding-DNA position 862, G replaced by A.
Protein change: p.Gly288Arg; replaces glycine 288 with arginine.
Molecular consequence: missense variant.
Genome position (GRCh38, 1-based): chr12:114,366,285, C>T on the plus strand (G>A on the coding strand, the complement: TBX5 is on the minus strand). VCF-style: chr12-114366285-C-T. GRCh37 (hg19) VCF-style: chr12-114804090-C-T.
Other names: c.862G>A, p.Gly288Arg (NM_000192.3); c.712G>A, p.Gly238Arg (NM_080717.4); short protein forms G288R, G238R.
Identifiers: ClinVar variation 2748244 (VCV002748244.3), dbSNP rs1869534535, ClinGen allele CA386926473.